The following is an entry in ClinVar:

ClinVar aggregate classification (germline): Benign/Likely benign. Review status: criteria provided, multiple submitters, no conflicts (2 of 4 stars). 3 submissions from 3 submitters: Benign (1); Likely benign (2). Last evaluated 2026-01-20.

Conditions:
Hyperornithinemia-hyperammonemia-homocitrullinuria syndrome (HHHS). Also called: HHH SYNDROME; Ornithine translocase deficiency. Identifiers: Orphanet 415, MedGen C0268540, MONDO:0009393, OMIM 238970.

Allele frequency attached by ClinVar (database versions not stated): gnomAD below 0.00001 and 0.00007; TOPMed 0.00003; gnomAD exomes 0.00016 and 0.00033; ExAC 0.00044; 1000 Genomes Project 0.00060; 1000 Genomes Project 30x 0.00062.
gnomAD v4.1: 237 of 1,611,296 alleles (0.015%); highest among the groups gnomAD compares: South Asian, 0.25%; 2 homozygotes.

Submissions (3):

Labcorp Genetics (formerly Invitae), Labcorp
Classification: Benign for Hyperornithinemia-hyperammonemia-homocitrullinuria syndrome. Last evaluated: 2026-01-20. Review status: criteria provided, single submitter. Criteria: Invitae Variant Classification Sherloc (09022015). Collection method: clinical testing. Allele origin: germline.

Blueprint Genetics
Classification: Likely benign. Last evaluated: 2024-04-08. Review status: criteria provided, single submitter. Criteria: ACMG Guidelines, 2015. Collection method: clinical testing. Allele origin: germline.

GeneDx
Classification: Likely benign. Last evaluated: 2018-03-05. Review status: criteria provided, single submitter. Criteria: GeneDx Variant Classification (06012015). Collection method: clinical testing. Allele origin: germline. Affected: yes.
Comment: This variant is considered likely benign or benign based on one or more of the following criteria: it is a conservative change, it occurs at a poorly conserved position in the protein, it is predicted to be benign by multiple in silico algorithms, and/or has population frequency not consistent with disease.

NM_014252.4(SLC25A15):c.55+12T>C

Gene: SLC25A15 (solute carrier family 25 member 15; plus strand). Cytogenetic location: 13q14.11.
Variant type: single nucleotide variant.
Coding change: c.55+12T>C on transcript NM_014252.4 (MANE Select); 12 bases into the intron after coding-DNA position 55, T replaced by C.
Molecular consequence: intron variant.
Genome position (GRCh38, 1-based): chr13:40,793,293, T>C. VCF-style: chr13-40793293-T-C. GRCh37 (hg19) VCF-style: chr13-41367429-T-C.
Identifiers: ClinVar variation 382626 (VCV000382626.8), dbSNP rs575712830, ClinGen allele CA6959597.
Genomic context (GRCh38, chr13:40,793,293, plus strand): 5'-TCCAATCCTGCTATCCAGGCTGCCATTGACCTCACAGCGGGGGCTGCAGGTACAGTCATG[T>C]GCCTCATCACCATGTTTCTGTCGTTGATGGATGGTGTATCTGATGGTGGTCCCATGAGAT-3'